The following is an entry in ClinVar:

ClinVar aggregate classification (germline): Uncertain significance (1 of 4 stars; one submission).

Conditions:
Hereditary cancer-predisposing syndrome. Also called: Tumor predisposition; Hereditary Cancer Syndrome; Hereditary neoplastic syndrome; Neoplastic Syndromes, Hereditary. Identifiers: Orphanet 140162, MedGen C0027672, MeSH D009386, MONDO:0015356.

Submission:

Ambry Genetics
Classification: Uncertain significance for Hereditary cancer-predisposing syndrome. Last evaluated: 2024-04-05. Review status: criteria provided, single submitter. Criteria: Ambry Variant Classification Scheme 2023. Collection method: clinical testing. Allele origin: germline.
Comment: The p.H753N variant (also known as c.2257C>A), located in coding exon 15 of the APC gene, results from a C to A substitution at nucleotide position 2257. The histidine at codon 753 is replaced by asparagine, an amino acid with similar properties. This amino acid position is conserved. In addition, in silico predictors for this gene do not accurately predict pathogenicity. Based on the available evidence, the clinical significance of this variant remains unclear.

NM_000038.6(APC):c.2257C>A (p.His753Asn)

Gene: APC (APC regulator of Wnt signaling pathway; plus strand). Cytogenetic location: 5q22.2.
Variant type: single nucleotide variant.
Coding change: c.2257C>A on transcript NM_000038.6 (MANE Select); coding-DNA position 2257, C replaced by A.
Protein change: p.His753Asn; replaces histidine 753 with asparagine.
Molecular consequence: missense variant. On other transcripts: non-coding transcript variant (2).
Genome position (GRCh38, 1-based): chr5:112,837,851, C>A. VCF-style: chr5-112837851-C-A. GRCh37 (hg19) VCF-style: chr5-112173548-C-A.
Other names: c.2257C>A, p.His753Asn (NM_001127510.3, NM_001354895.2, NM_001407450.1); c.2203C>A, p.His735Asn (NM_001127511.3); c.2311C>A, p.His771Asn (NM_001354896.2, NM_001407447.1, NM_001407448.1 and 1 more transcripts); c.2287C>A, p.His763Asn (NM_001354897.2); c.2182C>A, p.His728Asn (NM_001354898.2); c.2173C>A, p.His725Asn (NM_001354899.2); c.2134C>A, p.His712Asn (NM_001354900.2); c.2236C>A, p.His746Asn (NM_001407451.1); and 11 more; short protein forms H670N, H725N, H743N, H771N, H369N, H652N, H694N, H735N.
Identifiers: ClinVar variation 3304503 (VCV003304503.1).